The following is an entry in ClinVar:

NM_020987.5(ANK3):c.10703G>A (p.Gly3568Glu)

Gene: ANK3 (ankyrin 3; minus strand). Cytogenetic location: 10q21.2.
Variant type: single nucleotide variant.
Coding change: c.10703G>A on transcript NM_020987.5 (MANE Select); coding-DNA position 10703, G replaced by A.
Protein change: p.Gly3568Glu; replaces glycine 3568 with glutamic acid.
Molecular consequence: missense variant. On other transcripts: intron variant (4).
Genome position (GRCh38, 1-based): chr10:60,070,178, C>T on the plus strand (G>A on the coding strand, the complement: ANK3 is on the minus strand). VCF-style: chr10-60070178-C-T. GRCh37 (hg19) VCF-style: chr10-61829936-C-T.
Other names: c.4388-2169G>A (NM_001204403.2); c.4409-2169G>A (NM_001204404.2); c.4406-2169G>A (NM_001320874.2); c.1808-2169G>A (NM_001149.4); short protein forms G3568E.
Identifiers: ClinVar variation 1486455 (VCV001486455.6), dbSNP rs1395970554, ClinGen allele CA376999837.

ClinVar aggregate classification (germline): Uncertain significance (1 of 4 stars; one submission).

Allele frequency attached by ClinVar (database versions not stated): gnomAD exomes below 0.00001 and 0.00001; TOPMed below 0.00001.
gnomAD v4.1: 2 of 1,614,096 alleles (0.00012%); highest among the groups gnomAD compares: East Asian, 0.0045%; no homozygotes.

Submission:

Labcorp Genetics (formerly Invitae), Labcorp
Classification: Uncertain significance. Last evaluated: 2023-12-06. Review status: criteria provided, single submitter. Criteria: Invitae Variant Classification Sherloc (09022015). Collection method: clinical testing. Allele origin: germline.
Comment: This sequence change replaces glycine, which is neutral and non-polar, with glutamic acid, which is acidic and polar, at codon 3568 of the ANK3 protein (p.Gly3568Glu). This variant is present in population databases (no rsID available, gnomAD 0.01%). This variant has not been reported in the literature in individuals affected with ANK3-related conditions. ClinVar contains an entry for this variant (Variation ID: 1486455). Advanced modeling of protein sequence and biophysical properties (such as structural, functional, and spatial information, amino acid conservation, physicochemical variation, residue mobility, and thermodynamic stability) performed at Invitae indicates that this missense variant is not expected to disrupt ANK3 protein function with a negative predictive value of 80%. In summary, the available evidence is currently insufficient to determine the role of this variant in disease. Therefore, it has been classified as a Variant of Uncertain Significance.